The following is an entry in ClinVar:

NM_001194998.2(CEP152):c.2318G>A (p.Trp773Ter)

Gene: CEP152 (centrosomal protein 152; minus strand). Cytogenetic location: 15q21.1.
Variant type: single nucleotide variant.
Coding change: c.2318G>A on transcript NM_001194998.2 (MANE Select); coding-DNA position 2318, G replaced by A.
Protein change: p.Trp773Ter; replaces tryptophan 773 with a stop codon.
Molecular consequence: nonsense.
Genome position (GRCh38, 1-based): chr15:48,762,635, C>T on the plus strand (G>A on the coding strand, the complement: CEP152 is on the minus strand). VCF-style: chr15-48762635-C-T. GRCh37 (hg19) VCF-style: chr15-49054832-C-T.
Other names: c.2318G>A (NM_014985.3); c.2318G>A, p.Trp773Ter (NM_014985.4); short protein forms W773*.
Identifiers: ClinVar variation 1069366 (VCV001069366.9), dbSNP rs764602105, ClinGen allele CA7548584.

ClinVar aggregate classification (germline): Pathogenic/Likely pathogenic. Review status: criteria provided, multiple submitters, no conflicts (2 of 4 stars). 3 submissions from 3 submitters: Pathogenic (1); Likely pathogenic (2). Last evaluated 2026-01-23.

Conditions:
Microcephaly 9, primary, autosomal recessive. Identifiers: Orphanet 2512, MedGen C3553886, MONDO:0013923, OMIM 614852.
Seckel syndrome 5 (SCKL5). Identifiers: Orphanet 808, MedGen C3151187, MONDO:0013443, OMIM 613823.

Allele frequency attached by ClinVar (database versions not stated): gnomAD exomes 0.00004; ExAC 0.00001.

Submissions (3):

GeneDx
Classification: Likely pathogenic. Last evaluated: 2026-01-23. Review status: criteria provided, single submitter. Criteria: GeneDx Variant Classification Process June 2021. Collection method: clinical testing. Allele origin: germline.
Comment: Nonsense variant predicted to result in protein truncation or nonsense mediated decay in a gene for which loss of function is a known mechanism of disease; Not observed at significant frequency in large population cohorts (gnomAD); Has not been previously published as pathogenic or benign to our knowledge

Fulgent Genetics
Classification: Likely pathogenic for Seckel syndrome 5; Microcephaly 9, primary, autosomal recessive. Last evaluated: 2024-06-01. Review status: criteria provided, single submitter. Criteria: ACMG Guidelines, 2015. Collection method: clinical testing. Allele origin: germline.

Labcorp Genetics (formerly Invitae), Labcorp
Classification: Pathogenic. Last evaluated: 2024-02-02. Review status: criteria provided, single submitter. Criteria: Invitae Variant Classification Sherloc (09022015). Collection method: clinical testing. Allele origin: germline.
Comment: This sequence change creates a premature translational stop signal (p.Trp773*) in the CEP152 gene. It is expected to result in an absent or disrupted protein product. Loss-of-function variants in CEP152 are known to be pathogenic (PMID: 21131973). This variant is present in population databases (rs764602105, gnomAD 0.008%). This variant has not been reported in the literature in individuals affected with CEP152-related conditions. ClinVar contains an entry for this variant (Variation ID: 1069366). For these reasons, this variant has been classified as Pathogenic.

Literature cited by the submitters: PubMed 21131973 (cited by Labcorp Genetics (formerly Invitae), Labcorp).